The following is an entry in ClinVar:

NC_000007.13:g.(117235113_117242879)_(117267825_117282491)dup

Gene: CFTR (CF transmembrane conductance regulator; plus strand). Cytogenetic location: 7q31.2.
Variant type: Duplication.
Identifiers: ClinVar variation 3336411 (VCV003336411.1).

ClinVar aggregate classification (germline): Uncertain significance (1 of 4 stars; one submission).

Submission:

Women's Health and Genetics/Laboratory Corporation of America, LabCorp
Classification: Uncertain significance. Last evaluated: 2024-05-23. Review status: criteria provided, single submitter. Criteria: LabCorp Variant Classification Summary - May 2015. Collection method: clinical testing. Allele origin: germline.
Comment: Variant summary: The variant involves the duplication of exons 16-22 in the CFTR gene. A presumed nomenclature of c.(2619+1_2620-1)_(3717+1_3718-1)dup has been designated for the purposes of this classification. It is assumed to be a tandem duplication in direct orientation (PMIDs: 25640679, 30054569). This Copy Number Variant (CNV) is predicted to result in an in-frame duplication within this gene. The variant was absent in 120780 control chromosomes in the gnomAD database (Structural Variants v4.0 dataset). The available data on variant occurrences in the general population are insufficient to allow any conclusion about variant significance. To our knowledge, no occurrence of c.(2619+1_2620-1)_(3717+1_3718-1)dup in individuals affected with Cystic Fibrosis and no experimental evidence demonstrating its impact on protein function have been reported. However, several smaller in-frame duplications (e.g. Ex16-21dup, Ex18-19dup, Ex22dup) within the affected protein region were reported in affected individuals (e.g. PMID 34782259, 37867076), and at least one of these (Ex22dup) is classified as likely pathogenic by our laboratory, suggesting that in-frame duplications in this protein region might be associated with disease. No submitters have cited clinical-significance assessments for this variant to ClinVar. Based on the evidence outlined above, the variant was classified as VUS-possibly pathogenic.